The following is an entry in ClinVar:

ClinVar aggregate classification (germline): Uncertain significance (1 of 4 stars; one submission).

Submission:

Mayo Clinic Laboratories, Mayo Clinic
Classification: Uncertain significance. Last evaluated: 2022-03-16. Review status: criteria provided, single submitter. Criteria: ACMG Guidelines, 2015. Collection method: clinical testing. Allele origin: germline. Observed: 1 variant allele.
Comment: PP3, PM4

NM_000186.4(CFH):c.2021_2029del (p.Val674_Gly676del)

Gene: CFH (complement factor H; plus strand). Cytogenetic location: 1q31.3.
Variant type: Deletion.
Coding change: c.2021_2029del on transcript NM_000186.4 (MANE Select); coding-DNA positions 2021 to 2029, 9 bases deleted (TTGATGGAG; older notation c.2021_2029delTTGATGGAG).
Protein change: p.Val674_Gly676del.
Molecular consequence: inframe indel (on NM_000186.3).
Genome position (GRCh38, 1-based): chr1:196,726,617-196,726,625, TTGATGGAG deleted; deleting any 9 consecutive bases within chr1:196,726,616-196,726,625 gives the same sequence; the c. name uses the placement nearest the transcript's 3' end. VCF-style (leftmost placement, unchanged base first): chr1-196726615-TGTTGATGGA-T. GRCh37 (hg19) VCF-style: chr1-196695745-TGTTGATGGA-T.
Other names: p.Val674_Gly676del; c.2021_2029delTTGATGGAG, p.Val674_Gly676del (NM_000186.3).
Identifiers: ClinVar variation 2682683 (VCV002682683.1), dbSNP rs2529503868, ClinGen allele CA2697554819.